The following is an entry in ClinVar:

NM_000038.6(APC):c.7932_7935del (p.Tyr2645fs)

Gene: APC (APC regulator of Wnt signaling pathway; plus strand). Cytogenetic location: 5q22.2.
Variant type: Deletion.
Coding change: c.7932_7935del on transcript NM_000038.6 (MANE Select); coding-DNA positions 7932 to 7935, 4 bases deleted (TTAT; older notation c.7932_7935delTTAT).
Protein change: p.Tyr2645fs; shifts the reading frame from tyrosine 2645.
Molecular consequence: frameshift variant.
Genome position (GRCh38, 1-based): chr5:112,843,526-112,843,529, TTAT deleted; deleting any 4 consecutive bases within chr5:112,843,524-112,843,529 gives the same sequence; the c. name uses the placement nearest the transcript's 3' end. VCF-style (leftmost placement, unchanged base first): chr5-112843523-AATTT-A. GRCh37 (hg19) VCF-style: chr5-112179220-AATTT-A.
Other names: c.7755_7758del, p.Tyr2586fs (NM_001354901.2); c.7659_7662del, p.Tyr2554fs (NM_001354902.2); c.7629_7632del, p.Tyr2544fs (NM_001354903.2); c.7554_7557del, p.Tyr2519fs (NM_001354904.2); c.7452_7455del, p.Tyr2485fs (NM_001354905.2); c.7083_7086del, p.Tyr2362fs (NM_001354906.2); c.7932_7935del, p.Tyr2645fs (NM_001354895.2, NM_001127510.3); c.7986_7989del, p.Tyr2663fs (NM_001354896.2); and 6 more; short protein forms Y2554fs, Y2586fs, Y2604fs, Y2627fs, Y2645fs, Y2655fs, Y2485fs, Y2620fs.
Identifiers: ClinVar variation 486770 (VCV000486770.17), dbSNP rs1554088762, ClinGen allele CA658657465.

ClinVar aggregate classification (germline): Pathogenic. Review status: criteria provided, multiple submitters, no conflicts (2 of 4 stars). 3 submissions from 3 submitters: Pathogenic (3). Last evaluated 2023-05-16.

Conditions:
Hereditary cancer-predisposing syndrome. Also called: Tumor predisposition; Hereditary Cancer Syndrome; Hereditary neoplastic syndrome; Neoplastic Syndromes, Hereditary. Identifiers: Orphanet 140162, MedGen C0027672, MeSH D009386, MONDO:0015356.
Familial adenomatous polyposis 1 (FAP1). Also called: FAMILIAL ADENOMATOUS POLYPOSIS 1, ATTENUATED; POLYPOSIS, ADENOMATOUS INTESTINAL. Identifiers: MedGen C2713442, MONDO:0021056, OMIM 175100. Disease mechanism: loss of function.

Submissions (3):

Myriad Genetics, Inc.
Classification: Pathogenic for Familial adenomatous polyposis 1. Last evaluated: 2023-05-16. Review status: criteria provided, single submitter. Criteria: Myriad Autosomal Dominant, Autosomal Recessive and X-Linked Classification Criteria (2023). Collection method: clinical testing. Allele origin: unknown.
Comment: This variant is considered pathogenic. This variant creates a frameshift predicted to result in premature protein truncation.

Labcorp Genetics (formerly Invitae), Labcorp
Classification: Pathogenic for Familial adenomatous polyposis 1. Last evaluated: 2020-02-05. Review status: criteria provided, single submitter. Criteria: Invitae Variant Classification Sherloc (09022015). Collection method: clinical testing. Allele origin: germline.
Comment: For these reasons, this variant has been classified as Pathogenic. This variant is expected to disrupt the EB1 and HDLG binding sites, which mediate interactions with the cytoskeleton (PMID: 15311282, 17293347). While functional studies have not been performed to directly test the effect on APC protein function, this suggests that disruption of the C-terminal portion of the protein is functionally important. This variant has been observed in individuals affected with familial adenomatous polyposis (FAP) and attenuated FAP with or without extra-colonic phenotypes (PMID: 9824584, 1316610, 27081525, 8381579, 22135120, Invitae). This variant is also known as Ile2644fs*7 in the literature. ClinVar contains an entry for this variant (Variation ID: 486770). This variant is not present in population databases (ExAC no frequency). This sequence change results in a premature translational stop signal in the APC gene (p.Tyr2645Lysfs*14). While this is not anticipated to result in nonsense mediated decay, it is expected to disrupt the last 199 amino acids of the APC protein.

Ambry Genetics
Classification: Pathogenic for Hereditary cancer-predisposing syndrome. Last evaluated: 2017-12-01. Review status: criteria provided, single submitter. Criteria: Ambry Variant Classification Scheme 2023. Collection method: clinical testing. Allele origin: germline.
Comment: The c.7932_7935delTTAT pathogenic mutation, located in coding exon 15 of the APC gene, results from a deletion of 4 nucleotides at nucleotide positions 7932 to 7935, causing a translational frameshift with a predicted alternate stop codon (p.Y2645Kfs*14). Premature stop codons are typically deleterious in nature; however, this stop codon, which occurs at the 3' terminus of APC, is not expected to trigger nonsense-mediated mRNA decay, and removes only the last 199 amino acids of the protein. The exact functional impact of these removed amino acids is unknown at this time. However, structural analysis suggests this deletion removes a known motif (Thr2841-Ser2842-Val2843) needed for protein binding involved in regulation of protein function (Zhang Z et al. PLoS ONE, 2011 Aug;6:e23507; Slep KC. PLoS ONE, 2012 Nov;7:e50097). This alteration has been described in numerous individuals with classic and attenuated Familial Adenomatous Polyposis and appears to be associated with the development of extra-colonic manifestations, particularly desmoid tumors (Burger B et al. Oncologist, 2011 Dec;16:1698-705; Miyoshi Y et al. Proc. Natl. Acad. Sci. U.S.A., 1992 May;89:4452-6; Ikenoue T et al. Hum Genome Var, 2015 Mar;2:15011; Brensinger JD et al. Gut, 1998 Oct;43:548-52; Groden J et al. Am. J. Hum. Genet., 1993 Feb;52:263-72). This alteration is expected to result in loss of function by premature protein truncation. As such, this alteration is interpreted as a disease-causing mutation.

Literature cited by the submitters: PubMed 15311282 (cited by Labcorp Genetics (formerly Invitae), Labcorp); PubMed 17293347 (cited by Labcorp Genetics (formerly Invitae), Labcorp); PubMed 9824584 (cited by Labcorp Genetics (formerly Invitae), Labcorp and Ambry Genetics); PubMed 1316610 (cited by Labcorp Genetics (formerly Invitae), Labcorp and Ambry Genetics); PubMed 27081525 (cited by Labcorp Genetics (formerly Invitae), Labcorp and Ambry Genetics); PubMed 8381579 (cited by Labcorp Genetics (formerly Invitae), Labcorp and Ambry Genetics); PubMed 22135120 (cited by Labcorp Genetics (formerly Invitae), Labcorp and Ambry Genetics).